The following is an entry in ClinVar:

NM_000553.6(WRN):c.886_890del (p.Arg296fs)

Gene: WRN (WRN RecQ like helicase; plus strand). Cytogenetic location: 8p12.
Variant type: Deletion.
Coding change: c.886_890del on transcript NM_000553.6 (MANE Select); coding-DNA positions 886 to 890, 5 bases deleted (AGGAG; older notation c.886_890delAGGAG).
Protein change: p.Arg296fs; shifts the reading frame from arginine 296.
Molecular consequence: frameshift variant.
Genome position (GRCh38, 1-based): chr8:31,080,913-31,080,917, AGGAG deleted; deleting any 5 consecutive bases within chr8:31,080,912-31,080,917 gives the same sequence; the c. name uses the placement nearest the transcript's 3' end. VCF-style (leftmost placement, unchanged base first): chr8-31080911-TGAGGA-T. GRCh37 (hg19) VCF-style: chr8-30938427-TGAGGA-T.
Other names: short protein forms R296fs.
Identifiers: ClinVar variation 2772559 (VCV002772559.3), dbSNP rs2535909627, ClinGen allele CA2697549826.

ClinVar aggregate classification (germline): Pathogenic (1 of 4 stars; one submission).

Conditions:
Werner syndrome (WRN). Identifiers: Orphanet 902, MedGen C0043119, MONDO:0010196, OMIM 277700.

Submission:

Labcorp Genetics (formerly Invitae), Labcorp
Classification: Pathogenic for Werner syndrome. Last evaluated: 2023-10-29. Review status: criteria provided, single submitter. Criteria: Invitae Variant Classification Sherloc (09022015). Collection method: clinical testing. Allele origin: germline.
Comment: This sequence change creates a premature translational stop signal (p.Arg296Aspfs*7) in the WRN gene. It is expected to result in an absent or disrupted protein product. Loss-of-function variants in WRN are known to be pathogenic (PMID: 16673358). This variant is not present in population databases (gnomAD no frequency). This variant has not been reported in the literature in individuals affected with WRN-related conditions. For these reasons, this variant has been classified as Pathogenic.

Literature cited by the submitters: PubMed 16673358.